The following is an entry in ClinVar:

NM_001164508.2(NEB):c.6719A>G (p.Asp2240Gly)

Gene: NEB (nebulin; minus strand). Cytogenetic location: 2q23.3.
Variant type: single nucleotide variant.
Coding change: c.6719A>G on transcript NM_001164508.2 (MANE Select); coding-DNA position 6719, A replaced by G.
Protein change: p.Asp2240Gly; replaces aspartic acid 2240 with glycine.
Molecular consequence: missense variant.
Genome position (GRCh38, 1-based): chr2:151,655,358, T>C on the plus strand (A>G on the coding strand, the complement: NEB is on the minus strand). VCF-style: chr2-151655358-T-C. GRCh37 (hg19) VCF-style: chr2-152511872-T-C.
Other names: c.6719A>G, p.Asp2240Gly (NM_001164507.2, NM_001271208.2, NM_004543.5); c.6719A>G (NM_004543.4); short protein forms D2240G.
Identifiers: ClinVar variation 533966 (VCV000533966.8), dbSNP rs1362776689, ClinGen allele CA348794664.

ClinVar aggregate classification (germline): Uncertain significance. Review status: criteria provided, multiple submitters, no conflicts (2 of 4 stars). 3 submissions from 3 submitters: Uncertain significance (2). 1 of the submissions does not count toward it. Last evaluated 2024-09-08.

Conditions:
Nemaline myopathy 2 (NEM2). Also called: Nemaline myopathy 2, autosomal recessive. Identifiers: MedGen C1850569, MONDO:0009725, OMIM 256030.
Inborn genetic diseases. Identifiers: MedGen C0950123, MeSH D030342.

Allele frequency attached by ClinVar (database versions not stated): TOPMed 0.00001.

Submissions (3):

Ambry Genetics
Classification: Uncertain significance for Inborn genetic diseases. Last evaluated: 2024-09-08. Review status: criteria provided, single submitter. Criteria: Ambry Variant Classification Scheme 2023. Collection method: clinical testing. Allele origin: germline.

Labcorp Genetics (formerly Invitae), Labcorp
Classification: Uncertain significance for Nemaline myopathy 2. Last evaluated: 2021-08-30. Review status: criteria provided, single submitter. Criteria: Invitae Variant Classification Sherloc (09022015). Collection method: clinical testing. Allele origin: germline.
Comment: This sequence change replaces aspartic acid with glycine at codon 2240 of the NEB protein (p.Asp2240Gly). The aspartic acid residue is moderately conserved and there is a moderate physicochemical difference between aspartic acid and glycine. This variant is not present in population databases (ExAC no frequency). This variant has not been reported in the literature in individuals affected with NEB-related conditions. Algorithms developed to predict the effect of missense changes on protein structure and function are either unavailable or do not agree on the potential impact of this missense change (SIFT: "Deleterious"; PolyPhen-2: "Not Available"; Align-GVGD: "Class C0"). In summary, the available evidence is currently insufficient to determine the role of this variant in disease. Therefore, it has been classified as a Variant of Uncertain Significance.

Natera, Inc.
Classification: Uncertain significance for Nemaline myopathy type 2. Last evaluated: 2025-01-06. Review status: no assertion criteria provided. Collection method: clinical testing. Allele origin: germline. Not counted in ClinVar's aggregate classification.